The following is an entry in ClinVar:

ClinVar aggregate classification (germline): Benign (0 of 4 stars; one submission).

Conditions:
TRPC5-related disorder. Also called: TRPC5-related condition.

Allele frequency attached by ClinVar (database versions not stated): 1000 Genomes Project 30x 0.00208.
gnomAD v4.1: 883 of 1,208,132 alleles (0.073%); highest among the groups gnomAD compares: South Asian, 1.5%; 8 homozygotes.

Submission:

PreventionGenetics, part of Exact Sciences
Classification: Benign for TRPC5-related condition. Last evaluated: 2019-04-05. Review status: no assertion criteria provided. Collection method: clinical testing. Allele origin: germline.
Comment: This variant is classified as benign based on ACMG/AMP sequence variant interpretation guidelines (Richards et al. 2015 PMID: 25741868, with internal and published modifications).

NM_012471.3(TRPC5):c.39G>T (p.Pro13=)

Gene: TRPC5 (transient receptor potential cation channel subfamily C member 5; minus strand). Cytogenetic location: Xq23.
Variant type: single nucleotide variant.
Coding change: c.39G>T on transcript NM_012471.3 (MANE Select); coding-DNA position 39, G replaced by T.
Protein change: p.Pro13=; no amino-acid change (proline 13 retained).
Molecular consequence: synonymous variant.
Genome position (GRCh38, 1-based): chrX:111,952,382, C>A on the plus strand (G>T on the coding strand, the complement: TRPC5 is on the minus strand). VCF-style: chrX-111952382-C-A. GRCh37 (hg19) VCF-style: chrX-111195610-C-A.
Identifiers: ClinVar variation 3043005 (VCV003043005.2), dbSNP rs150908311, ClinGen allele CA10494461.